The following is an entry in ClinVar:

NM_001165963.4(SCN1A):c.5412C>A (p.Asp1804Glu)

Genes: SCN1A (sodium voltage-gated channel alpha subunit 1; minus strand), LOC102724058 (uncharacterized LOC102724058; plus strand). Cytogenetic location: 2q24.3.
Variant type: single nucleotide variant.
Coding change: c.5412C>A on transcript NM_001165963.4 (MANE Select); coding-DNA position 5412, C replaced by A.
Protein change: p.Asp1804Glu; replaces aspartic acid 1804 with glutamic acid.
Molecular consequence: missense variant. On other transcripts: non-coding transcript variant (1).
Genome position (GRCh38, 1-based): chr2:165,991,863, G>T on the plus strand (C>A on the coding strand, the complement: SCN1A is on the minus strand). VCF-style: chr2-165991863-G-T. GRCh37 (hg19) VCF-style: chr2-166848373-G-T.
Other names: c.5328C>A, p.Asp1776Glu (NM_001353958.2, NM_001165964.3, NM_001353957.2); c.5325C>A, p.Asp1775Glu (NM_001353960.2); c.2970C>A, p.Asp990Glu (NM_001353961.2); c.5379C>A, p.Asp1793Glu (NM_006920.6, NM_001353949.2, NM_001353950.2 and 2 more transcripts); c.5412C>A, p.Asp1804Glu (NM_001202435.3, NM_001353948.2); c.5376C>A, p.Asp1792Glu (NM_001353954.2, NM_001353955.2); short protein forms D1776E, D1793E, D1792E, D990E, D1775E, D1804E.
Identifiers: ClinVar variation 2831207 (VCV002831207.3), dbSNP rs2468332104, ClinGen allele CA349067721.

ClinVar aggregate classification (germline): Uncertain significance (1 of 4 stars; one submission).

Conditions:
Early-infantile DEE. Also called: Early infantile epileptic encephalopathy; Early infantile epileptic encephalopathy with suppression bursts; Ohtahara syndrome. Identifiers: Orphanet 1934, MedGen C0393706, MONDO:0800491.

Submission:

Labcorp Genetics (formerly Invitae), Labcorp
Classification: Uncertain significance for Early-infantile DEE. Last evaluated: 2023-01-22. Review status: criteria provided, single submitter. Criteria: Invitae Variant Classification Sherloc (09022015). Collection method: clinical testing. Allele origin: germline.
Comment: In summary, the available evidence is currently insufficient to determine the role of this variant in disease. Therefore, it has been classified as a Variant of Uncertain Significance. Advanced modeling of protein sequence and biophysical properties (such as structural, functional, and spatial information, amino acid conservation, physicochemical variation, residue mobility, and thermodynamic stability) performed at Invitae indicates that this missense variant is expected to disrupt SCN1A protein function. This variant has not been reported in the literature in individuals affected with SCN1A-related conditions. This variant is not present in population databases (gnomAD no frequency). This sequence change replaces aspartic acid, which is acidic and polar, with glutamic acid, which is acidic and polar, at codon 1804 of the SCN1A protein (p.Asp1804Glu).